The following is an entry in ClinVar:

NM_001077365.2(POMT1):c.2097C>T (p.Tyr699=)

Gene: POMT1 (protein O-mannosyltransferase 1; plus strand). Cytogenetic location: 9q34.13.
Variant type: single nucleotide variant.
Coding change: c.2097C>T on transcript NM_001077365.2 (MANE Select); coding-DNA position 2097, C replaced by T.
Protein change: p.Tyr699=; no amino-acid change (tyrosine 699 retained).
Molecular consequence: synonymous variant. On other transcripts: non-coding transcript variant (10).
Genome position (GRCh38, 1-based): chr9:131,523,025, C>T. VCF-style: chr9-131523025-C-T. GRCh37 (hg19) VCF-style: chr9-134398412-C-T.
Other names: c.1935C>T, p.Tyr645= (NM_001077366.2, NM_001353194.2); c.2097C>T, p.Tyr699= (NM_001136113.2); c.1746C>T, p.Tyr582= (NM_001136114.2, NM_001353195.2, NM_001374691.1 and 2 more transcripts); c.2163C>T, p.Tyr721= (NM_001353193.2, NM_007171.4); c.2007C>T, p.Tyr669= (NM_001353196.2); c.2001C>T, p.Tyr667= (NM_001353197.2, NM_001353198.2); c.1812C>T, p.Tyr604= (NM_001353199.2); c.1641C>T, p.Tyr547= (NM_001353200.2); and 3 more.
Identifiers: ClinVar variation 195503 (VCV000195503.30), dbSNP rs138902646, ClinGen allele CA241948.

ClinVar aggregate classification (germline): Conflicting classifications of pathogenicity. Review status: criteria provided, conflicting classifications (1 of 4 stars). 8 submissions from 8 submitters: Uncertain significance (2); Likely benign (6). Last evaluated 2026-06-01.

Conditions:
Walker-Warburg congenital muscular dystrophy. Also called: Muscular dystrophy-dystroglycanopathy, type A; Walker-Warburg syndrome. Identifiers: Orphanet 899, MedGen C0265221, MONDO:0000171.
Autosomal recessive limb-girdle muscular dystrophy type 2K. Also called: MUSCULAR DYSTROPHY-DYSTROGLYCANOPATHY (LIMB-GIRDLE), TYPE C, 1; MUSCULAR DYSTROPHY, LIMB-GIRDLE, TYPE 2K. Identifiers: Orphanet 86812, MedGen C1836373, MONDO:0012248, OMIM 609308.
Muscular dystrophy-dystroglycanopathy (congenital with impaired intellectual development), type B, 1. Also called: MUSCULAR DYSTROPHY, CONGENITAL, POMT1-RELATED; Muscular dystrophy-dystroglycanopathy (congenital with intellectual disability), type B1. Identifiers: MedGen C5436962, MONDO:0013159, OMIM 613155.
POMT1-related disorder. Also called: POMT1-related condition; POMT1-related disorders.

Allele frequency attached by ClinVar (database versions not stated): gnomAD 0.00026; TOPMed 0.00032; ESP Exome Variant Server 0.00038.
gnomAD v4.1: 974 of 1,610,666 alleles (0.06%); highest among the groups gnomAD compares: Non-Finnish European, 0.076%; no homozygotes.

Submissions (8):

CeGaT Center for Human Genetics Tuebingen
Classification: Likely benign. Last evaluated: 2026-06-01. Review status: criteria provided, single submitter. Criteria: CeGaT Center For Human Genetics Tuebingen Variant Classification Criteria Version 2. Collection method: clinical testing. Allele origin: germline. Affected: yes. Observed: 2 variant alleles.
Comment: POMT1: BP4, BP7

PreventionGenetics, part of Exact Sciences
Classification: Likely benign for POMT1-related condition. Last evaluated: 2026-05-28. Review status: criteria provided, single submitter. Criteria: ACMG Guidelines, 2015. Collection method: clinical testing. Allele origin: germline.
Comment: This variant is classified as likely benign based on ACMG/AMP sequence variant interpretation guidelines (Richards et al. 2015 PMID: 25741868, with internal and published modifications).

Labcorp Genetics (formerly Invitae), Labcorp
Classification: Likely benign for Muscular dystrophy-dystroglycanopathy (congenital with impaired intellectual development), type B, 1; Walker-Warburg congenital muscular dystrophy; Autosomal recessive limb-girdle muscular dystrophy type 2K. Last evaluated: 2026-01-20. Review status: criteria provided, single submitter. Criteria: Invitae Variant Classification Sherloc (09022015). Collection method: clinical testing. Allele origin: germline.

Blueprint Genetics
Classification: Likely benign. Last evaluated: 2024-10-09. Review status: criteria provided, single submitter. Criteria: ACMG Guidelines, 2015. Collection method: clinical testing. Allele origin: germline.

Revvity Omics, Revvity
Classification: Likely benign. Last evaluated: 2024-09-30. Review status: criteria provided, single submitter. Criteria: ACMG Guidelines, 2015. Collection method: clinical testing. Allele origin: germline.

GeneDx
Classification: Likely benign. Last evaluated: 2020-02-05. Review status: criteria provided, single submitter. Criteria: GeneDx Variant Classification Process June 2021. Collection method: clinical testing. Allele origin: germline. Affected: yes.

Eurofins Ntd Llc (ga)
Classification: Uncertain significance. Last evaluated: 2017-11-02. Review status: criteria provided, single submitter. Criteria: EGL Classification Definitions 2015. Collection method: clinical testing. Allele origin: germline. Observed: 7 variant alleles, 7 heterozygotes.

Illumina Laboratory Services, Illumina
Classification: Uncertain significance for Autosomal recessive limb-girdle muscular dystrophy type 2K. Last evaluated: 2017-04-27. Review status: criteria provided, single submitter. Criteria: ICSL Variant Classification Criteria 13 December 2019. Collection method: clinical testing. Allele origin: germline.